The following is an entry in ClinVar:

NM_003748.4(ALDH4A1):c.1637TCA[1] (p.Ile547del)

Gene: ALDH4A1 (aldehyde dehydrogenase 4 family member A1; minus strand). Cytogenetic location: 1p36.13.
Variant type: Microsatellite.
Coding change: c.1637TCA[1] on transcript NM_003748.4 (MANE Select); one copy of the 3-base unit TCA starting at c.1637; the reference has two copies in a row; one copy, 3 bases deleted.
Protein change: p.Ile547del; deletes isoleucine 547.
Genome position (GRCh38, 1-based): chr1:18,872,895-18,872,897, TGA deleted on the plus strand (TCA on the coding strand, the reverse complement: ALDH4A1 is on the minus strand); deleting any 3 consecutive bases within chr1:18,872,895-18,872,900 gives the same sequence; the position shown is the placement nearest the transcript's 3' end. VCF-style (leftmost placement, unchanged base first): chr1-18872894-TTGA-T. GRCh37 (hg19) VCF-style: chr1-19199388-TTGA-T.
Other names: c.1457TCA[1], p.Ile487del (NM_001161504.2); c.1484TCA[1], p.Ile496del (NM_001319218.2); c.1637TCA[1], p.Ile547del (NM_170726.3); short protein forms I487del, I496del, I547del.
Identifiers: ClinVar variation 3366025 (VCV003366025.1).

ClinVar aggregate classification (germline): Uncertain significance (1 of 4 stars; one submission).

Submission:

GeneDx
Classification: Uncertain significance. Last evaluated: 2024-02-02. Review status: criteria provided, single submitter. Criteria: GeneDx Variant Classification Process June 2021. Collection method: clinical testing. Allele origin: germline. Affected: yes.
Comment: Not observed at significant frequency in large population cohorts (gnomAD); In-frame deletion of one amino acid in a non-repeat region; Has not been previously published as pathogenic or benign to our knowledge